The following is an entry in ClinVar:

ClinVar aggregate classification (germline): Uncertain significance. Review status: criteria provided, multiple submitters, no conflicts (2 of 4 stars). 4 submissions from 4 submitters: Uncertain significance (3). 1 of the submissions does not count toward it. Last evaluated 2024-09-12.

Conditions:
Inborn genetic diseases. Identifiers: MedGen C0950123, MeSH D030342.
Neuronal ceroid lipofuscinosis 8 (CLN8). Also called: CLN8-Related Neuronal Ceroid-Lipofuscinosis. Identifiers: Orphanet 168491, Orphanet 228354, Orphanet 79264, MedGen C1838570, MONDO:0010830, OMIM 600143.
Neuronal ceroid lipofuscinosis. Also called: Neuronal Ceroid Lipofuscinoses. Identifiers: Orphanet 216, Orphanet 79263, MedGen C0027877, MONDO:0016295. Disease mechanism: loss of function.

Allele frequency attached by ClinVar (database versions not stated): gnomAD 0.00001 and 0.00002; TOPMed 0.00001; ExAC 0.00002; gnomAD exomes 0.00002; 1000 Genomes Project 30x 0.00031; 1000 Genomes Project 0.00040.
gnomAD v4.1: 13 of 1,614,168 alleles (0.00081%); highest among the groups gnomAD compares: East Asian, 0.0022%; no homozygotes.

Submissions (4):

GeneDx
Classification: Uncertain significance. Last evaluated: 2024-09-12. Review status: criteria provided, single submitter. Criteria: GeneDx Variant Classification Process June 2021. Collection method: clinical testing. Allele origin: germline. Affected: yes.
Comment: Not observed at significant frequency in large population cohorts (gnomAD); In silico analysis indicates that this missense variant does not alter protein structure/function; Has not been previously published as pathogenic or benign to our knowledge

Ambry Genetics
Classification: Uncertain significance for Inborn genetic diseases. Last evaluated: 2023-12-27. Review status: criteria provided, single submitter. Criteria: Ambry Variant Classification Scheme 2023. Collection method: clinical testing. Allele origin: germline.

Labcorp Genetics (formerly Invitae), Labcorp
Classification: Uncertain significance for Neuronal ceroid lipofuscinosis. Last evaluated: 2022-06-19. Review status: criteria provided, single submitter. Criteria: Invitae Variant Classification Sherloc (09022015). Collection method: clinical testing. Allele origin: germline.
Comment: This sequence change replaces valine, which is neutral and non-polar, with phenylalanine, which is neutral and non-polar, at codon 136 of the CLN8 protein (p.Val136Phe). This variant is present in population databases (rs187297173, gnomAD 0.006%). This variant has not been reported in the literature in individuals affected with CLN8-related conditions. ClinVar contains an entry for this variant (Variation ID: 205208). Algorithms developed to predict the effect of missense changes on protein structure and function are either unavailable or do not agree on the potential impact of this missense change (SIFT: "Deleterious"; PolyPhen-2: "Benign"; Align-GVGD: "Class C0"). In summary, the available evidence is currently insufficient to determine the role of this variant in disease. Therefore, it has been classified as a Variant of Uncertain Significance.

Natera, Inc.
Classification: Uncertain significance for Neuronal ceroid lipofuscinosis 8. Last evaluated: 2020-09-16. Review status: no assertion criteria provided. Collection method: clinical testing. Allele origin: germline. Not counted in ClinVar's aggregate classification.

NM_018941.4(CLN8):c.406G>T (p.Val136Phe)

Gene: CLN8 (CLN8 transmembrane ER and ERGIC protein; plus strand). Cytogenetic location: 8p23.3.
Variant type: single nucleotide variant.
Coding change: c.406G>T on transcript NM_018941.4 (MANE Select); coding-DNA position 406, G replaced by T.
Protein change: p.Val136Phe; replaces valine 136 with phenylalanine.
Molecular consequence: missense variant.
Genome position (GRCh38, 1-based): chr8:1,771,460, G>T. VCF-style: chr8-1771460-G-T. GRCh37 (hg19) VCF-style: chr8-1719626-G-T.
Other names: p.V136F:GTT>TTT; short protein forms V136F.
Identifiers: ClinVar variation 205208 (VCV000205208.11), dbSNP rs187297173, ClinGen allele CA314055.